The following is an entry in ClinVar:

ClinVar aggregate classification (germline): Conflicting classifications of pathogenicity. Review status: criteria provided, conflicting classifications (1 of 4 stars). 5 submissions from 4 submitters: Uncertain significance (4); Likely benign (1). Last evaluated 2025-10-08.

Conditions:
Revesz syndrome. Also called: EXUDATIVE RETINOPATHY WITH BONE MARROW FAILURE; DYSKERATOSIS CONGENITA, AUTOSOMAL DOMINANT 5. Identifiers: Orphanet 3088, MedGen C1327916, MONDO:0009990, OMIM 268130.
Dyskeratosis congenita, autosomal dominant 3. Identifiers: MedGen C3151445, MONDO:0013522, OMIM 613990.
Dyskeratosis congenita. Identifiers: Orphanet 1775, MedGen C0265965, MONDO:0015780.

Allele frequency attached by ClinVar (database versions not stated): ExAC 0.00001; gnomAD 0.00001; TOPMed 0.00001; gnomAD exomes 0.00002 and 0.00003; ESP Exome Variant Server 0.00008.
gnomAD v4.1: 39 of 1,613,912 alleles (0.0024%); highest among the groups gnomAD compares: Non-Finnish European, 0.0032%; no homozygotes.

Submissions (5):

Women's Health and Genetics/Laboratory Corporation of America, LabCorp
Classification: Uncertain significance. Last evaluated: 2025-10-08. Review status: criteria provided, single submitter. Criteria: LabCorp Variant Classification Summary - May 2015. Collection method: clinical testing. Allele origin: germline.
Comment: Variant summary: TINF2 c.622T>C (p.Ser208Pro) results in a non-conservative amino acid change in the encoded protein sequence. Algorithms developed to predict the effect of missense changes on protein structure and function are either unavailable or do not agree on the potential impact of this missense change. The variant allele was found at a frequency of 2.8e-05 in 252334 control chromosomes. The available data on variant occurrences in the general population are insufficient to allow any conclusion about variant significance. To our knowledge, no occurrence of c.622T>C in individuals affected with TINF2-related conditions and no experimental evidence demonstrating its impact on protein function have been reported. ClinVar contains an entry for this variant (Variation ID: 882556). Based on the evidence outlined above, the variant was classified as uncertain significance.

Labcorp Genetics (formerly Invitae), Labcorp
Classification: Uncertain significance for Dyskeratosis congenita. Last evaluated: 2024-09-03. Review status: criteria provided, single submitter. Criteria: Invitae Variant Classification Sherloc (09022015). Collection method: clinical testing. Allele origin: germline.
Comment: This sequence change replaces serine, which is neutral and polar, with proline, which is neutral and non-polar, at codon 208 of the TINF2 protein (p.Ser208Pro). This variant is present in population databases (rs377436580, gnomAD 0.006%). This variant has not been reported in the literature in individuals affected with TINF2-related conditions. ClinVar contains an entry for this variant (Variation ID: 882556). An algorithm developed to predict the effect of missense changes on protein structure and function outputs the following: PolyPhen-2: "Possibly Damaging". The proline amino acid residue is found in multiple mammalian species, which suggests that this missense change does not adversely affect protein function. In summary, the available evidence is currently insufficient to determine the role of this variant in disease. Therefore, it has been classified as a Variant of Uncertain Significance.

Blueprint Genetics
Classification: Likely benign. Last evaluated: 2023-02-15. Review status: criteria provided, single submitter. Criteria: ACMG Guidelines, 2015. Collection method: clinical testing. Allele origin: germline.

Illumina Laboratory Services, Illumina
Classification: Uncertain significance for Revesz syndrome. Last evaluated: 2018-01-13. Review status: criteria provided, single submitter. Criteria: ICSL Variant Classification Criteria 13 December 2019. Collection method: clinical testing. Allele origin: germline.

Illumina Laboratory Services, Illumina
Classification: Uncertain significance for Dyskeratosis congenita, autosomal dominant 3. Last evaluated: 2018-01-13. Review status: criteria provided, single submitter. Criteria: ICSL Variant Classification Criteria 13 December 2019. Collection method: clinical testing. Allele origin: germline.

Literature cited by the submitters: PubMed 25505254 (cited by Women's Health and Genetics/Laboratory Corporation of America, LabCorp).

NM_001099274.3(TINF2):c.622T>C (p.Ser208Pro)

Gene: TINF2 (TERF1 interacting nuclear factor 2; minus strand). Cytogenetic location: 14q12.
Variant type: single nucleotide variant.
Coding change: c.622T>C on transcript NM_001099274.3 (MANE Select); coding-DNA position 622, T replaced by C.
Protein change: p.Ser208Pro; replaces serine 208 with proline.
Molecular consequence: missense variant.
Genome position (GRCh38, 1-based): chr14:24,240,858, A>G on the plus strand (T>C on the coding strand, the complement: TINF2 is on the minus strand). VCF-style: chr14-24240858-A-G. GRCh37 (hg19) VCF-style: chr14-24710064-A-G.
Other names: c.517T>C, p.Ser173Pro (NM_001363668.2); c.622T>C, p.Ser208Pro (NM_012461.3); short protein forms S173P, S208P.
Identifiers: ClinVar variation 882556 (VCV000882556.11), dbSNP rs377436580, ClinGen allele CA7130590.